The following is an entry in ClinVar:

ClinVar aggregate classification (germline): Uncertain significance (1 of 4 stars; one submission).

Conditions:
Paget disease of bone 2, early-onset (PDB2). Also called: Paget disease of bone 2. Identifiers: MedGen C4085251, MONDO:0011183, OMIM 602080.
Frontotemporal dementia and/or amyotrophic lateral sclerosis 1 (FTDALS1). Also called: Frontotemporal dementia with motor neuron disease 1; C9orf72 Frontotemporal Dementia and/or Amyotrophic Lateral Sclerosis. Identifiers: Orphanet 275872, MedGen C5779877, MONDO:0007105, OMIM 105550.

Allele frequency attached by ClinVar (database versions not stated): TOPMed below 0.00001; ExAC 0.00001; gnomAD 0.00001; gnomAD exomes 0.00001; ESP Exome Variant Server 0.00008.
gnomAD v4.1: 14 of 1,613,818 alleles (0.00087%); highest among the groups gnomAD compares: Non-Finnish European, 0.0012%; no homozygotes.

Submission:

Labcorp Genetics (formerly Invitae), Labcorp
Classification: Uncertain significance for Paget disease of bone 2, early-onset; Frontotemporal dementia and/or amyotrophic lateral sclerosis 1. Last evaluated: 2025-06-15. Review status: criteria provided, single submitter. Criteria: Invitae Variant Classification Sherloc (09022015). Collection method: clinical testing. Allele origin: germline.
Comment: This sequence change replaces serine, which is neutral and polar, with glycine, which is neutral and non-polar, at codon 170 of the SQSTM1 protein (p.Ser170Gly). This variant is present in population databases (rs377198490, gnomAD 0.002%). This variant has not been reported in the literature in individuals affected with SQSTM1-related conditions. ClinVar contains an entry for this variant (Variation ID: 1508569). Invitae Evidence Modeling of protein sequence and biophysical properties (such as structural, functional, and spatial information, amino acid conservation, physicochemical variation, residue mobility, and thermodynamic stability) indicates that this missense variant is not expected to disrupt SQSTM1 protein function with a negative predictive value of 80%. In summary, the available evidence is currently insufficient to determine the role of this variant in disease. Therefore, it has been classified as a Variant of Uncertain Significance.

NM_003900.5(SQSTM1):c.508A>G (p.Ser170Gly)

Gene: SQSTM1 (sequestosome 1; plus strand). Cytogenetic location: 5q35.3.
Variant type: single nucleotide variant.
Coding change: c.508A>G on transcript NM_003900.5 (MANE Select); coding-DNA position 508, A replaced by G.
Protein change: p.Ser170Gly; replaces serine 170 with glycine.
Molecular consequence: missense variant.
Genome position (GRCh38, 1-based): chr5:179,824,064, A>G. VCF-style: chr5-179824064-A-G. GRCh37 (hg19) VCF-style: chr5-179251064-A-G.
Other names: c.256A>G, p.Ser86Gly (NM_001142298.2, NM_001142299.2); short protein forms S86G, S170G.
Identifiers: ClinVar variation 1508569 (VCV001508569.6), dbSNP rs377198490, ClinGen allele CA3600530.
Genomic context (GRCh38, chr5:179,824,064, plus strand): 5'-TTGTGTAGCGTCTGCGAGGGAAAGGGCTTGCACCGGGGGCACACCAAGCTCGCATTCCCC[A>G]GCCCCTTCGGGCACCTGTCTGAGGTGAGCAGGCCCTCTGTGCAGGCCTGGGGTGGGCTCA-3'
Protein context (NP_003891.1, residues 160-180): HRGHTKLAFP[Ser170Gly]PFGHLSEGFS